The following is an entry in ClinVar:

NM_000484.4(APP):c.2080G>A (p.Asp694Asn)

Gene: APP (amyloid beta precursor protein; minus strand). Cytogenetic location: 21q21.3.
Variant type: single nucleotide variant.
Coding change: c.2080G>A on transcript NM_000484.4 (MANE Select); coding-DNA position 2080, G replaced by A.
Protein change: p.Asp694Asn; replaces aspartic acid 694 with asparagine.
Molecular consequence: missense variant.
Genome position (GRCh38, 1-based): chr21:25,891,853, C>T on the plus strand (G>A on the coding strand, the complement: APP is on the minus strand). VCF-style: chr21-25891853-C-T. GRCh37 (hg19) VCF-style: chr21-27264165-C-T.
Other names: N694D; c.1687G>A, p.Asp563Asn (NM_001136129.3); c.1912G>A, p.Asp638Asn (NM_001136130.3, NM_001385253.1); c.1750G>A, p.Asp584Asn (NM_001136131.3); c.2026G>A, p.Asp676Asn (NM_001204301.2); c.1969G>A, p.Asp657Asn (NM_001204302.2); c.1801G>A, p.Asp601Asn (NM_001204303.2); c.2023G>A, p.Asp675Asn (NM_201413.3); and 2 more; short protein forms D563N, D584N, D601N, D619N, D638N, D657N, D670N, D675N.
Identifiers: ClinVar variation 18101 (VCV000018101.45), dbSNP rs63749810, ClinGen allele CA127804.

ClinVar aggregate classification (germline): Pathogenic. Review status: criteria provided, multiple submitters, no conflicts (2 of 4 stars). 6 submissions from 6 submitters: Pathogenic (4). 2 of the submissions do not count toward it. Last evaluated 2025-10-20.

Conditions:
ABeta amyloidosis, Iowa type. Also called: CEREBRAL AMYLOID ANGIOPATHY, APP-RELATED, IOWA VARIANT. Identifiers: Orphanet 324708, MedGen C3888309, MONDO:0017946.
APP-related disorder. Also called: APP-related condition.
Cerebral amyloid angiopathy, APP-related. Also called: AMYLOIDOSIS, CEREBROARTERIAL, APP-RELATED; Cerebral amyloid angiopathy, Dutch, Italian, Iowa, Flemish, Arctic variants. Identifiers: Orphanet 100006, Orphanet 324703, Orphanet 324708, Orphanet 324713, Orphanet 324718, Orphanet 324723, Orphanet 85458, MedGen C2751536, MONDO:0011583, OMIM 605714.
Alzheimer disease. Also called: Alzheimer's disease; Presenile and senile dementia. Identifiers: Orphanet 1020, MedGen C0002395, MeSH D000544, MONDO:0004975, HP:0002511.

Allele frequency attached by ClinVar (database versions not stated): gnomAD exomes below 0.00001.
gnomAD v4.1: 1 of 1,614,050 alleles (0.000062%); highest among the groups gnomAD compares: Non-Finnish European, 0.000085%; no homozygotes.

Submissions (6):

Institute of Human Genetics, University of Leipzig Medical Center
Classification: Pathogenic for Cerebral amyloid angiopathy, APP-related. Last evaluated: 2025-10-20. Review status: criteria provided, single submitter. Criteria: ACMG Guidelines, 2015. Collection method: clinical testing. Allele origin: unknown. Inheritance: Autosomal dominant inheritance. Affected: yes.
Comment: Criteria applied: PS4,PS3_MOD,PM1,PM2_SUP,PP3

PreventionGenetics, part of Exact Sciences
Classification: Pathogenic for APP-related condition. Last evaluated: 2024-12-30. Review status: criteria provided, single submitter. Criteria: ACMG Guidelines, 2015. Collection method: clinical testing. Allele origin: germline.
Comment: The APP c.2080G>A variant is predicted to result in the amino acid substitution p.Asp694Asn. This variant, which is also referred to as the D23N Iowa mutation, was reported in individuals with cerebral amyloid angiopathy (Grabowski et al. 2001. PubMed ID: 11409420; Sellal et al. 2017. PubMed ID: 27858710). The p.Asp694Asn substitution has been shown to result in amyloid beta fibril formation, enhanced aggregation of plaques, and microvascular endothelial and neuronal cell death (Van Nostrand et al. 2001. PubMed ID: 11441013; Fossati et al. 2013. PubMed ID: 24028142). This variant has not been reported in a large population database (gnomAD), indicating this variant is rare. This variant is interpreted as pathogenic.

Labcorp Genetics (formerly Invitae), Labcorp
Classification: Pathogenic for Alzheimer disease. Last evaluated: 2024-07-30. Review status: criteria provided, single submitter. Criteria: Invitae Variant Classification Sherloc (09022015). Collection method: clinical testing. Allele origin: germline.
Comment: This sequence change replaces aspartic acid, which is acidic and polar, with asparagine, which is neutral and polar, at codon 694 of the APP protein (p.Asp694Asn). This variant is not present in population databases (gnomAD no frequency). This missense change has been observed in individuals with cerebral amyloid angiopathy (CAA) (PMID: 20228223, 24878480, 26104569, 27000221, 27858710, 28350801). It has also been observed to segregate with disease in related individuals. ClinVar contains an entry for this variant (Variation ID: 18101). Advanced modeling of protein sequence and biophysical properties (such as structural, functional, and spatial information, amino acid conservation, physicochemical variation, residue mobility, and thermodynamic stability) has been performed at Invitae for this missense variant, however the output from this modeling did not meet the statistical confidence thresholds required to predict the impact of this variant on APP protein function. Experimental studies have shown that this missense change affects APP function (PMID: 11441013, 26402770). For these reasons, this variant has been classified as Pathogenic.

CeGaT Center for Human Genetics Tuebingen
Classification: Pathogenic. Last evaluated: 2021-09-01. Review status: criteria provided, single submitter. Criteria: CeGaT Center For Human Genetics Tuebingen Variant Classification Criteria Version 2. Collection method: clinical testing. Allele origin: germline. Affected: yes. Observed: 2 variant alleles.

OMIM
Classification: Pathogenic for CEREBRAL AMYLOID ANGIOPATHY, APP-RELATED, IOWA VARIANT. Last evaluated: 2003-03-25. Review status: no assertion criteria provided. Collection method: literature only. Allele origin: germline. Not counted in ClinVar's aggregate classification.

VIB  Department of Molecular Genetics, University of Antwerp
No classification provided. Review status: no classification provided. Collection method: not provided. Allele origin: not provided. Not counted in ClinVar's aggregate classification.

Literature cited by the submitters: PubMed 20228223 (cited by Labcorp Genetics (formerly Invitae), Labcorp); PubMed 24878480 (cited by Labcorp Genetics (formerly Invitae), Labcorp); PubMed 26104569 (cited by Labcorp Genetics (formerly Invitae), Labcorp); PubMed 27000221 (cited by Labcorp Genetics (formerly Invitae), Labcorp); PubMed 27858710 (cited by Labcorp Genetics (formerly Invitae), Labcorp); PubMed 28350801 (cited by Labcorp Genetics (formerly Invitae), Labcorp); PubMed 11441013 (cited by Labcorp Genetics (formerly Invitae), Labcorp); PubMed 26402770 (cited by Labcorp Genetics (formerly Invitae), Labcorp); PubMed 11409420 (cited by OMIM); PubMed 12654973 (cited by OMIM).